The following is an entry in ClinVar:

ClinVar aggregate classification (germline): Likely benign (1 of 4 stars; one submission).

Conditions:
Deficiency of 2-methylbutyryl-CoA dehydrogenase (ACADSB). Also called: 2-methylbutyryl-CoA dehydrogenase deficiency; SBCAD deficiency; 2-methylbutyric aciduria; Short branched-chain acyl-CoA dehydrogenase deficiency; 2-methylbutyrylglycinuria. Identifiers: Orphanet 79157, MedGen C1864912, MONDO:0012392, OMIM 610006, HP:0020147.

Allele frequency attached by ClinVar (database versions not stated): gnomAD 0.00167 and 0.00179; TOPMed 0.00209; 1000 Genomes Project 30x 0.00234; 1000 Genomes Project 0.00300.

Submission:

Illumina Laboratory Services, Illumina
Classification: Likely benign for Deficiency of 2-methylbutyryl-CoA dehydrogenase. Last evaluated: 2018-01-13. Review status: criteria provided, single submitter. Criteria: ICSL Variant Classification Criteria 13 December 2019. Collection method: clinical testing. Allele origin: germline.
Comment: This variant was observed in the ICSL laboratory as part of a predisposition screen in an ostensibly healthy population. It had not been previously curated by ICSL or reported in the Human Gene Mutation Database (HGMD: prior to June 1st, 2018), and was therefore a candidate for classification through an automated scoring system. Utilizing variant allele frequency, disease prevalence and penetrance estimates, and inheritance mode, an automated score was calculated to assess if this variant is too frequent to cause the disease. Based on the score and internal cut-off values, a variant classified as likely benign is not then subjected to further curation. The score for this variant resulted in a classification of likely benign for this disease.

NM_001609.4(ACADSB):c.*1326A>G

Gene: ACADSB (acyl-CoA dehydrogenase short/branched chain; plus strand). Cytogenetic location: 10q26.13.
Variant type: single nucleotide variant.
Coding change: c.*1326A>G on transcript NM_001609.4 (MANE Select); 1326 bases downstream of the stop codon, A replaced by G.
Molecular consequence: 3 prime UTR variant.
Genome position (GRCh38, 1-based): chr10:123,055,091, A>G. VCF-style: chr10-123055091-A-G. GRCh37 (hg19) VCF-style: chr10-124814607-A-G.
Other names: c.*1326A>G (NM_001330174.3).
Identifiers: ClinVar variation 878405 (VCV000878405.4), dbSNP rs185596588, ClinGen allele CA215173983.